The following is an entry in ClinVar:

NM_004159.5(PSMB8):c.135+10A>G

Genes: PSMB8 (proteasome 20S subunit beta 8; minus strand), PSMB8-AS1 (PSMB8 antisense RNA 1; plus strand). Cytogenetic location: 6p21.32.
Variant type: single nucleotide variant.
Coding change: c.135+10A>G on transcript NM_004159.5; 10 bases into the intron after coding-DNA position 135, A replaced by G.
Molecular consequence: intron variant. On other transcripts: non-coding transcript variant (4).
Genome position (GRCh38, 1-based): chr6:32,844,269, T>C on the plus strand (A>G on the coding strand, the complement: PSMB8 is on the minus strand). VCF-style: chr6-32844269-T-C. GRCh37 (hg19) VCF-style: chr6-32812046-T-C.
Identifiers: ClinVar variation 3355624 (VCV003355624.1).

ClinVar aggregate classification (germline): Likely benign (0 of 4 stars; one submission).

Conditions:
PSMB8-related disorder. Also called: PSMB8-related condition.

Submission:

PreventionGenetics, part of Exact Sciences
Classification: Likely benign for PSMB8-related condition. Last evaluated: 2024-07-12. Review status: no assertion criteria provided. Collection method: clinical testing. Allele origin: germline.
Comment: This variant is classified as likely benign based on ACMG/AMP sequence variant interpretation guidelines (Richards et al. 2015 PMID: 25741868, with internal and published modifications).